The following is an entry in ClinVar:

NM_001371623.1(TCOF1):c.358A>G (p.Ser120Gly)

Gene: TCOF1 (treacle ribosome biogenesis factor 1; plus strand). Cytogenetic location: 5q32.
Variant type: single nucleotide variant.
Coding change: c.358A>G on transcript NM_001371623.1 (MANE Select); coding-DNA position 358, A replaced by G.
Protein change: p.Ser120Gly; replaces serine 120 with glycine.
Molecular consequence: missense variant.
Genome position (GRCh38, 1-based): chr5:150,367,897, A>G. VCF-style: chr5-150367897-A-G. GRCh37 (hg19) VCF-style: chr5-149747460-A-G.
Other names: c.358A>G, p.Ser120Gly (NM_000356.4, NM_001008657.3, NM_001135243.2 and 4 more transcripts); short protein forms S120G.
Identifiers: ClinVar variation 5030589 (VCV005030589.1).
Genomic context (GRCh38, chr5:150,367,897, plus strand): 5'-CTTGCAGCCCCAAGACTAGCATCTACCAACTCCTCAGTCCTGGGGGCGGACTTGCCATCA[A>G]GCATGAAAGAAAAAGCCAAGGTGAGTGGGACTGCCTTCCAAGCTATTGCCTATGGGATTT-3'
Protein context (NP_001358552.1, residues 110-130): SSVLGADLPS[Ser120Gly]MKEKAKAETE

ClinVar aggregate classification (germline): Uncertain significance (1 of 4 stars; one submission).

Conditions:
Inborn genetic diseases. Identifiers: MedGen C0950123, MeSH D030342.

gnomAD v4.1: 3 of 1,614,218 alleles (0.00019%); highest among the groups gnomAD compares: African/African-American, 0.0027%; no homozygotes.

Submission:

Ambry Genetics
Classification: Uncertain significance for Inborn genetic diseases. Last evaluated: 2026-08-12. Review status: criteria provided, single submitter. Criteria: Ambry Variant Classification Scheme 2023. Collection method: clinical testing. Allele origin: germline.
Comment: The c.358A>G (p.S120G) alteration is located in exon 4 (coding exon 4) of the TCOF1 gene. This alteration results from a A to G substitution at nucleotide position 358, causing the serine (S) at amino acid position 120 to be replaced by a glycine (G). Based on data from gnomAD, the G allele has an overall frequency of <0.001% (1/251450) total alleles studied. The highest observed frequency was 0.006% (1/16254) of African alleles. Based on insufficient or conflicting evidence, the clinical significance of this alteration remains unclear.